The following is an entry in ClinVar:

ClinVar aggregate classification (germline): Uncertain significance (1 of 4 stars; one submission).

Conditions:
Amyotrophic lateral sclerosis (ALS). Also called: Lou Gehrig disease; Charcot disease. Identifiers: Orphanet 803, MedGen C0002736, MONDO:0004976, HP:0007354.

Submission:

Department of Neurology, Brain Research Institute, Niigata University
Classification: Uncertain significance for Amyotrophic lateral sclerosis. Last evaluated: 2026-04-10. Review status: criteria provided, single submitter. Criteria: ACMG Guidelines, 2015. Collection method: research. Allele origin: unknown. Affected: yes.

NM_139215.3(TAF15):c.1377_1378insAGT (p.Arg459_Gly460insSer)

Gene: TAF15 (TATA-box binding protein associated factor 15; plus strand). Cytogenetic location: 17q12.
Variant type: Insertion.
Coding change: c.1377_1378insAGT on transcript NM_139215.3 (MANE Select); coding-DNA positions 1377 to 1378, AGT inserted.
Protein change: p.Arg459_Gly460insSer.
Genome position: GRCh38 VCF-style: chr17-35844676-A-AAGT. GRCh37 (hg19) VCF-style: chr17-34171680-A-AAGT.
Other names: c.1368_1369insAGT, p.Arg456_Gly457insSer (NM_003487.4).
Identifiers: ClinVar variation 4820021 (VCV004820021.1).